The following is an entry in ClinVar:

NM_000081.4(LYST):c.7394T>G (p.Leu2465Trp)

Gene: LYST (lysosomal trafficking regulator; minus strand). Cytogenetic location: 1q42.3.
Variant type: single nucleotide variant.
Coding change: c.7394T>G on transcript NM_000081.4 (MANE Select); coding-DNA position 7394, T replaced by G.
Protein change: p.Leu2465Trp; replaces leucine 2465 with tryptophan.
Molecular consequence: missense variant.
Genome position (GRCh38, 1-based): chr1:235,753,110, A>C on the plus strand (T>G on the coding strand, the complement: LYST is on the minus strand). VCF-style: chr1-235753110-A-C. GRCh37 (hg19) VCF-style: chr1-235916410-A-C.
Other names: p.Leu2465Trp; c.7394T>G, p.Leu2465Trp (NM_001301365.1); short protein forms L2465W.
Identifiers: ClinVar variation 3380765 (VCV003380765.1).
Genomic context (GRCh38, chr1:235,753,110, plus strand): 5'-TCTAATCCATTCAGGGCTGCTACTGTATTACATAACACATAGAGTAGACCATTATCCAGC[A>C]ACATATCTGCTACCTTAGAACAAGAATTTAAAATTTGGAGAAGAAGTAAAAGAGCATTAT-3'
Protein context (NP_000072.2, residues 2455-2475): LNSCSKVADM[Leu2465Trp]LDNGLLYVLC

ClinVar aggregate classification (germline): Uncertain significance (1 of 4 stars; one submission).

gnomAD v4.1: 2 of 1,609,446 alleles (0.00012%); highest among the groups gnomAD compares: Admixed American, 0.0033%; no homozygotes.

Submission:

Mayo Clinic Laboratories, Mayo Clinic
Classification: Uncertain significance. Last evaluated: 2023-10-09. Review status: criteria provided, single submitter. Criteria: ACMG Guidelines, 2015. Collection method: clinical testing. Allele origin: germline. Observed: 1 variant allele.
Comment: PP3, PM2_moderate